The following is an entry in ClinVar:

NM_020812.4(DOCK6):c.4166G>A (p.Ser1389Asn)

Genes: DOCK6 (dedicator of cytokinesis 6; minus strand), DOCK6-AS1 (DOCK6 antisense RNA 1; plus strand). Cytogenetic location: 19p13.2.
Variant type: single nucleotide variant.
Coding change: c.4166G>A on transcript NM_020812.4 (MANE Select); coding-DNA position 4166, G replaced by A.
Protein change: p.Ser1389Asn; replaces serine 1389 with asparagine.
Molecular consequence: missense variant.
Genome position (GRCh38, 1-based): chr19:11,214,590, C>T on the plus strand (G>A on the coding strand, the complement: DOCK6 is on the minus strand). VCF-style: chr19-11214590-C-T. GRCh37 (hg19) VCF-style: chr19-11325266-C-T.
Other names: c.4166G>A (NM_020812.2); c.4271G>A, p.Ser1424Asn (NM_001367830.1); short protein forms S1424N, S1389N.
Identifiers: ClinVar variation 2037991 (VCV002037991.6), dbSNP rs1192512667, ClinGen allele CA404084040.
Genomic context (GRCh38, chr19:11,214,590, plus strand): 5'-GCAGATGCTGGATCAAGCCCTACCTGCACGATGATCTCCAGTGTGTCCAGAACCACTAGG[C>T]TTGCCTCGGTTGCCAGGTTCCCTTCCACCAAGGCCTCGTGTTCCATTTCATCCTTGGTCC-3'
Protein context (NP_065863.2, residues 1379-1399): LVEGNLATEA[Ser1389Asn]LVVLDTLEII

ClinVar aggregate classification (germline): Uncertain significance. Review status: criteria provided, multiple submitters, no conflicts (2 of 4 stars). 2 submissions from 2 submitters: Uncertain significance (2). Last evaluated 2023-02-10.

Conditions:
Inborn genetic diseases. Identifiers: MedGen C0950123, MeSH D030342.

Allele frequency attached by ClinVar (database versions not stated): gnomAD exomes below 0.00001.
gnomAD v4.1: 2 of 1,613,880 alleles (0.00012%); highest among the groups gnomAD compares: Non-Finnish European, 0.00017%; no homozygotes.

Submissions (2):

Ambry Genetics
Classification: Uncertain significance for Inborn genetic diseases. Last evaluated: 2023-02-10. Review status: criteria provided, single submitter. Criteria: Ambry Variant Classification Scheme 2023. Collection method: clinical testing. Allele origin: germline.

Labcorp Genetics (formerly Invitae), Labcorp
Classification: Uncertain significance. Last evaluated: 2022-08-06. Review status: criteria provided, single submitter. Criteria: Invitae Variant Classification Sherloc (09022015). Collection method: clinical testing. Allele origin: germline.
Comment: In summary, the available evidence is currently insufficient to determine the role of this variant in disease. Therefore, it has been classified as a Variant of Uncertain Significance. Algorithms developed to predict the effect of missense changes on protein structure and function output the following: SIFT: "Tolerated"; PolyPhen-2: "Benign"; Align-GVGD: "Class C0". The asparagine amino acid residue is found in multiple mammalian species, which suggests that this missense change does not adversely affect protein function. This variant has not been reported in the literature in individuals affected with DOCK6-related conditions. This variant is not present in population databases (gnomAD no frequency). This sequence change replaces serine, which is neutral and polar, with asparagine, which is neutral and polar, at codon 1389 of the DOCK6 protein (p.Ser1389Asn).